The following is an entry in ClinVar:

NM_004006.3(DMD):c.4519-1G>T

Gene: DMD (dystrophin; minus strand). Cytogenetic location: Xp21.1.
Variant type: single nucleotide variant.
Coding change: c.4519-1G>T on transcript NM_004006.3 (MANE Select); the canonical splice acceptor site of the intron before coding-DNA position 4519, G replaced by T.
Molecular consequence: splice acceptor variant.
Genome position (GRCh38, 1-based): chrX:32,386,466, C>A on the plus strand (G>T on the coding strand, the complement: DMD is on the minus strand). VCF-style: chrX-32386466-C-A. GRCh37 (hg19) VCF-style: chrX-32404583-C-A.
Other names: c.4495-1G>T (NM_000109.4); c.496-1G>T (NM_004011.4); c.487-1G>T (NM_004012.4); c.4507-1G>T (NM_004009.3); c.4150-1G>T (NM_004010.3).
Identifiers: ClinVar variation 4680874 (VCV004680874.2).
Genomic context (GRCh38, chrX:32,386,466, plus strand): 5'-TCCAGTCTTTATCACCATTTCCACTTCAGACTTCACTTCACTCAGACTTTTATACAAGTT[C>A]TAAGTTTAAACATAAAACAAAACATGATAATCAGTAGAGTTAAATTATTTCATAATATTA-3'

ClinVar aggregate classification (germline): Likely pathogenic. Review status: criteria provided, multiple submitters, no conflicts (2 of 4 stars). 2 submissions from 2 submitters: Likely pathogenic (2). Last evaluated 2025-06-29.

Conditions:
DMD-related disorder. Also called: DMD-related condition.

Submissions (2):

GeneDx
Classification: Likely pathogenic. Last evaluated: 2025-06-29. Review status: criteria provided, single submitter. Criteria: GeneDx Variant Classification Process June 2021. Collection method: clinical testing. Allele origin: germline. Affected: yes.
Comment: Canonical splice site variant predicted to result in an in-frame loss of the adjacent exon in a gene for which loss of function is a known mechanism of disease; Not observed at significant frequency in large population cohorts (gnomAD); Deletions involving coding exons of this gene are a known mechanism of disease (HGMD); Has not been previously published as pathogenic or benign to our knowledge

Blueprint Genetics
Classification: Likely pathogenic for DMD-related disorders. Last evaluated: 2022-05-27. Review status: criteria provided, single submitter. Criteria: ACMG Guidelines, 2015. Collection method: clinical testing. Allele origin: germline. Affected: yes. Observed: 1 variant allele.